The following is an entry in ClinVar:

NM_001256789.3(CACNA1F):c.164G>A (p.Ser55Asn)

Gene: CACNA1F (calcium voltage-gated channel subunit alpha1 F; minus strand). Cytogenetic location: Xp11.23.
Variant type: single nucleotide variant.
Coding change: c.164G>A on transcript NM_001256789.3 (MANE Select); coding-DNA position 164, G replaced by A.
Protein change: p.Ser55Asn; replaces serine 55 with asparagine.
Molecular consequence: missense variant. On other transcripts: intron variant (1).
Genome position (GRCh38, 1-based): chrX:49,231,789, C>T on the plus strand (G>A on the coding strand, the complement: CACNA1F is on the minus strand). VCF-style: chrX-49231789-C-T. GRCh37 (hg19) VCF-style: chrX-49088251-C-T.
Other names: c.164G>A, p.Ser55Asn (NM_005183.4); c.66-97G>A (NM_001256790.3); short protein forms S55N.
Identifiers: ClinVar variation 2999689 (VCV002999689.3), dbSNP rs2519143198, ClinGen allele CA412927773.

ClinVar aggregate classification (germline): Uncertain significance (1 of 4 stars; one submission).

Allele frequency attached by ClinVar (database versions not stated): gnomAD exomes below 0.00001.
gnomAD v4.1: 2 of 1,211,658 alleles (0.00017%); highest among the groups gnomAD compares: Non-Finnish European, 0.00022%; no homozygotes.

Submission:

Labcorp Genetics (formerly Invitae), Labcorp
Classification: Uncertain significance. Last evaluated: 2022-12-30. Review status: criteria provided, single submitter. Criteria: Invitae Variant Classification Sherloc (09022015). Collection method: clinical testing. Allele origin: germline.
Comment: This sequence change replaces serine, which is neutral and polar, with asparagine, which is neutral and polar, at codon 55 of the CACNA1F protein (p.Ser55Asn). This variant is not present in population databases (gnomAD no frequency). In summary, the available evidence is currently insufficient to determine the role of this variant in disease. Therefore, it has been classified as a Variant of Uncertain Significance. Algorithms developed to predict the effect of missense changes on protein structure and function output the following: SIFT: "Tolerated"; PolyPhen-2: "Benign"; Align-GVGD: "Class C0". The asparagine amino acid residue is found in multiple mammalian species, which suggests that this missense change does not adversely affect protein function. This variant has not been reported in the literature in individuals affected with CACNA1F-related conditions.